The following is an entry in ClinVar:

NM_002016.2(FLG):c.9733G>T (p.Glu3245Ter)

Genes: CCDST (cervical cancer associated DHX9 suppressive transcript; plus strand), FLG (filaggrin; minus strand). Cytogenetic location: 1q21.3.
Variant type: single nucleotide variant.
Coding change: c.9733G>T on transcript NM_002016.2 (MANE Select); coding-DNA position 9733, G replaced by T.
Protein change: p.Glu3245Ter; replaces glutamic acid 3245 with a stop codon.
Molecular consequence: nonsense.
Genome position (GRCh38, 1-based): chr1:152,305,153, C>A on the plus strand (G>T on the coding strand, the complement: FLG is on the minus strand). VCF-style: chr1-152305153-C-A. GRCh37 (hg19) VCF-style: chr1-152277629-C-A.
Other names: short protein forms E3245*.
Identifiers: ClinVar variation 4885144 (VCV004885144.2).
Genomic context (GRCh38, chr1:152,305,153, plus strand): 5'-CGTGACCGGCTCTGTCTTCGTGATGGGACCTGGGGTGTCTGGAGCCGTGCCTTGACTGCT[C>A]CTGAACAGATCCACGATGGTTTCTGGAAGCAGACCCAGACCACCTCTCAGAGTCTTCTGA-3'

ClinVar aggregate classification (germline): Uncertain significance (1 of 4 stars; one submission).

gnomAD v4.1: 18 of 1,613,878 alleles (0.0011%); highest among the groups gnomAD compares: Admixed American, 0.005%; no homozygotes.

Submission:

Dasa
Classification: Uncertain significance. Last evaluated: 2026-03-18. Review status: criteria provided, single submitter. Criteria: DASA Assertion Criteria. Collection method: clinical testing. Allele origin: germline.
Comment: NM_002016.2(FLG):c.9733G>T (p.Glu3245*) is a nonsense variant in FLG predicted to introduce a premature termination codon and is predicted to result in an absent or altered protein product. This variant is rare in population databases. The currently available literature and clinical evidence are not sufficient to establish a definitive association between this variant and the reported condition. Therefore, this variant is classified as a variant of uncertain significance.